The following is an entry in ClinVar:

ClinVar aggregate classification (germline): Uncertain significance (1 of 4 stars; one submission).

Conditions:
Atrioventricular septal defect 4 (AVSD4). Identifiers: MedGen C3280781, MONDO:0013747, OMIM 614430.

Allele frequency attached by ClinVar (database versions not stated): TOPMed 0.00001; ESP Exome Variant Server 0.00008.
gnomAD v4.1: 14 of 1,612,274 alleles (0.00087%); highest among the groups gnomAD compares: Middle Eastern, 0.016%; no homozygotes.

Submission:

Labcorp Genetics (formerly Invitae), Labcorp
Classification: Uncertain significance for Atrioventricular septal defect 4. Last evaluated: 2024-04-24. Review status: criteria provided, single submitter. Criteria: Invitae Variant Classification Sherloc (09022015). Collection method: clinical testing. Allele origin: germline.
Comment: This sequence change falls in intron 4 of the GATA4 gene. It does not directly change the encoded amino acid sequence of the GATA4 protein. It affects a nucleotide within the consensus splice site. This variant is present in population databases (rs374161282, gnomAD 0.008%). This variant has not been reported in the literature in individuals affected with GATA4-related conditions. ClinVar contains an entry for this variant (Variation ID: 835991). Variants that disrupt the consensus splice site are a relatively common cause of aberrant splicing (PMID: 17576681, 9536098). Algorithms developed to predict the effect of sequence changes on RNA splicing suggest that this variant is not likely to affect RNA splicing. In summary, the available evidence is currently insufficient to determine the role of this variant in disease. Therefore, it has been classified as a Variant of Uncertain Significance.

Literature cited by the submitters: PubMed 17576681; PubMed 9536098.

NM_001308093.3(GATA4):c.912+4C>T

Gene: GATA4 (GATA binding protein 4). Cytogenetic location: 8p23.1.
Variant type: single nucleotide variant.
Coding change: c.912+4C>T on transcript NM_001308093.3 (MANE Select); 4 bases into the intron after coding-DNA position 912, C replaced by T.
Molecular consequence: intron variant.
Genome position (GRCh38, 1-based): chr8:11,750,240, C>T. VCF-style: chr8-11750240-C-T. GRCh37 (hg19) VCF-style: chr8-11607749-C-T.
Other names: c.291+4C>T (NM_001308094.2, NM_001374273.1); c.909+4C>T (NM_002052.5); c.165+1155C>T (NM_001374274.1).
Identifiers: ClinVar variation 835991 (VCV000835991.9), dbSNP rs374161282, ClinGen allele CA4630732.